The following is an entry in ClinVar:

NM_016151.4(TAOK2):c.2311A>G (p.Ile771Val)

Gene: TAOK2 (TAO kinase 2; plus strand). Cytogenetic location: 16p11.2.
Variant type: single nucleotide variant.
Coding change: c.2311A>G on transcript NM_016151.4 (MANE Select); coding-DNA position 2311, A replaced by G.
Protein change: p.Ile771Val; replaces isoleucine 771 with valine.
Molecular consequence: missense variant. On other transcripts: intron variant (2).
Genome position (GRCh38, 1-based): chr16:29,986,583, A>G. VCF-style: chr16-29986583-A-G. GRCh37 (hg19) VCF-style: chr16-29997904-A-G.
Other names: c.2232+79A>G (NM_004783.4, NM_001252043.2); short protein forms I771V.
Identifiers: ClinVar variation 4703418 (VCV004703418.1).

ClinVar aggregate classification (germline): Uncertain significance (1 of 4 stars; one submission).

gnomAD v4.1: 4 of 1,613,822 alleles (0.00025%); highest among the groups gnomAD compares: Middle Eastern, 0.017%; no homozygotes.

Submission:

Labcorp Genetics (formerly Invitae), Labcorp
Classification: Uncertain significance. Last evaluated: 2025-12-19. Review status: criteria provided, single submitter. Criteria: Invitae Variant Classification Sherloc (09022015). Collection method: clinical testing. Allele origin: germline.
Comment: This sequence change replaces isoleucine, which is neutral and non-polar, with valine, which is neutral and non-polar, at codon 771 of the TAOK2 protein (p.Ile771Val). This variant is not present in population databases (gnomAD no frequency). This variant has not been reported in the literature in individuals affected with TAOK2-related conditions. An algorithm developed to predict the effect of missense changes on protein structure and function (PolyPhen-2) suggests that this variant is likely to be tolerated. In summary, the available evidence is currently insufficient to determine the role of this variant in disease. Therefore, it has been classified as a Variant of Uncertain Significance.